The following is an entry in ClinVar:

ClinVar aggregate classification (germline): Likely pathogenic (1 of 4 stars; one submission).

Conditions:
X-linked myopathy with postural muscle atrophy. Also called: FHL1-Related Emery-Dreifuss Muscular Dystrophy, X-Linked. Identifiers: Orphanet 178461, MedGen C2678055, MONDO:0010401, OMIM 300696.

Submissions (2):

Labcorp Genetics (formerly Invitae), Labcorp
Classification: Likely pathogenic for X-linked myopathy with postural muscle atrophy. Last evaluated: 2023-01-03. Review status: criteria provided, single submitter. Criteria: Invitae Variant Classification Sherloc (09022015). Collection method: clinical testing. Allele origin: germline.
Comment: ClinVar contains an entry for this variant (Variation ID: 1499755). Algorithms developed to predict the effect of sequence changes on RNA splicing suggest that this variant may disrupt the consensus splice site. In summary, the currently available evidence indicates that the variant is pathogenic, but additional data are needed to prove that conclusively. Therefore, this variant has been classified as Likely Pathogenic. This variant has not been reported in the literature in individuals affected with FHL1-related conditions. This sequence change affects an acceptor splice site in intron 4 of the FHL1 gene. It is expected to disrupt RNA splicing. Variants that disrupt the donor or acceptor splice site typically lead to a loss of protein function (PMID: 16199547), and loss-of-function variants in FHL1 are known to be pathogenic (PMID: 18179888, 19687455, 19716112, 22523091, 24114807). This variant is not present in population databases (gnomAD no frequency).

Dr. Peter K. Rogan Lab, Western University
No classification provided (evidence only). Condition: Nonpapillary renal cell carcinoma. Review status: no classification provided. Collection method: in vitro. Allele origin: not applicable. Functional consequence: retained intron. Not counted in ClinVar's aggregate classification.

Literature cited by the submitters: PubMed 16199547 (cited by Labcorp Genetics (formerly Invitae), Labcorp); PubMed 18179888 (cited by Labcorp Genetics (formerly Invitae), Labcorp); PubMed 19687455 (cited by Labcorp Genetics (formerly Invitae), Labcorp); PubMed 19716112 (cited by Labcorp Genetics (formerly Invitae), Labcorp); PubMed 22523091 (cited by Labcorp Genetics (formerly Invitae), Labcorp); PubMed 24114807 (cited by Labcorp Genetics (formerly Invitae), Labcorp).

NM_001159699.2(FHL1):c.380-2A>G

Gene: FHL1 (four and a half LIM domains 1; plus strand). Cytogenetic location: Xq26.3.
Variant type: single nucleotide variant.
Coding change: c.380-2A>G on transcript NM_001159699.2 (MANE Select); the canonical splice acceptor site of the intron before coding-DNA position 380, A replaced by G.
Molecular consequence: splice acceptor variant.
Genome position (GRCh38, 1-based): chrX:136,207,790, A>G. VCF-style: chrX-136207790-A-G. GRCh37 (hg19) VCF-style: chrX-135289949-A-G.
Other names: c.332-2A>G (NM_001159702.3, NM_001449.5, NM_001159703.2 and 9 more transcripts); c.419-2A>G (NM_001159701.2); c.380-2A>G (NM_001330659.2).
Identifiers: ClinVar variation 1499755 (VCV001499755.9), dbSNP rs2148375467, ClinGen allele CA414608280.